The following is an entry in ClinVar:

NM_005996.4(TBX3):c.658-293C>T

Gene: TBX3 (T-box transcription factor 3; minus strand). Cytogenetic location: 12q24.21.
Variant type: single nucleotide variant.
Coding change: c.658-293C>T on transcript NM_005996.4 (MANE Select); 293 bases into the intron before coding-DNA position 658, C replaced by T.
Molecular consequence: intron variant. On other transcripts: missense variant (1).
Genome position (GRCh38, 1-based): chr12:114,679,944, G>A on the plus strand (C>T on the coding strand, the complement: TBX3 is on the minus strand). VCF-style: chr12-114679944-G-A. GRCh37 (hg19) VCF-style: chr12-115117749-G-A.
Other names: c.686C>T, p.Thr229Met (NM_016569.4); short protein forms T229M.
Identifiers: ClinVar variation 4990049 (VCV004990049.1).

ClinVar aggregate classification (germline): Uncertain significance (1 of 4 stars; one submission).

Conditions:
TBX3-related disorder. Also called: TBX3-related condition.

gnomAD v4.1: 18 of 1,613,946 alleles (0.0011%); highest among the groups gnomAD compares: East Asian, 0.0045%; no homozygotes.

Submission:

PreventionGenetics, part of Exact Sciences
Classification: Uncertain significance for TBX3-related condition. Last evaluated: 2026-04-07. Review status: criteria provided, single submitter. Criteria: ACMG Guidelines, 2015. Collection method: clinical testing. Allele origin: germline.
Comment: The TBX3 c.686C>T variant is predicted to result in the amino acid substitution p.Thr229Met. To our knowledge, this variant has not been reported in the literature. This variant is reported in 0.0054% of alleles in individuals of East Asian descent in gnomAD. At this time, the clinical significance of this variant is uncertain due to the absence of conclusive functional and genetic evidence.